The following is an entry in ClinVar:

ClinVar aggregate classification (germline): Uncertain significance (1 of 4 stars; one submission).

gnomAD v4.1: 1 of 1,614,150 alleles (0.000062%); highest among the groups gnomAD compares: South Asian, 0.0011%; no homozygotes.

Submission:

Labcorp Genetics (formerly Invitae), Labcorp
Classification: Uncertain significance. Last evaluated: 2022-05-30. Review status: criteria provided, single submitter. Criteria: Invitae Variant Classification Sherloc (09022015). Collection method: clinical testing. Allele origin: germline.
Comment: This sequence change replaces threonine, which is neutral and polar, with lysine, which is basic and polar, at codon 103 of the CCBE1 protein (p.Thr103Lys). This variant is not present in population databases (gnomAD no frequency). This variant has not been reported in the literature in individuals affected with CCBE1-related conditions. Algorithms developed to predict the effect of missense changes on protein structure and function are either unavailable or do not agree on the potential impact of this missense change (SIFT: "Deleterious"; PolyPhen-2: "Probably Damaging"; Align-GVGD: "Class C0"). In summary, the available evidence is currently insufficient to determine the role of this variant in disease. Therefore, it has been classified as a Variant of Uncertain Significance.

NM_133459.4(CCBE1):c.308C>A (p.Thr103Lys)

Gene: CCBE1 (collagen and calcium binding EGF domains 1; minus strand). Cytogenetic location: 18q21.32.
Variant type: single nucleotide variant.
Coding change: c.308C>A on transcript NM_133459.4 (MANE Select); coding-DNA position 308, C replaced by A.
Protein change: p.Thr103Lys; replaces threonine 103 with lysine.
Molecular consequence: missense variant.
Genome position (GRCh38, 1-based): chr18:59,469,565, G>T on the plus strand (C>A on the coding strand, the complement: CCBE1 is on the minus strand). VCF-style: chr18-59469565-G-T. GRCh37 (hg19) VCF-style: chr18-57136797-G-T.
Other names: short protein forms T103K.
Identifiers: ClinVar variation 1932023 (VCV001932023.5), dbSNP rs776726406, ClinGen allele CA402592581.